The following is an entry in ClinVar:

ClinVar aggregate classification (germline): Benign. Review status: criteria provided, multiple submitters, no conflicts (2 of 4 stars). 4 submissions from 4 submitters: Benign (4). Last evaluated 2021-12-05.

Conditions:
Hereditary xanthinuria type 1 (XAN1). Identifiers: Orphanet 3467, Orphanet 93601, MedGen C0268118, MONDO:0010209, OMIM 278300.

Allele frequency attached by ClinVar (database versions not stated): gnomAD exomes 0.00354 and 0.00898; ExAC 0.01050; gnomAD 0.03157 and 0.03354; ESP Exome Variant Server 0.03468; TOPMed 0.03484; 1000 Genomes Project 0.03574; 1000 Genomes Project 30x 0.03701.
gnomAD v4.1: 10,160 of 1,610,382 alleles (0.63%); highest among the groups gnomAD compares: African/African-American, 11%; 480 homozygotes.

Submissions (4):

Genome-Nilou Lab
Classification: Benign for Hereditary xanthinuria type 1. Last evaluated: 2021-12-05. Review status: criteria provided, single submitter. Criteria: ACMG Guidelines, 2015. Collection method: clinical testing. Allele origin: germline. Affected: no.

GeneDx
Classification: Benign. Last evaluated: 2020-12-08. Review status: criteria provided, single submitter. Criteria: GeneDx Variant Classification Process June 2021. Collection method: clinical testing. Allele origin: germline. Affected: yes.

Illumina Laboratory Services, Illumina
Classification: Benign for Hereditary xanthinuria type 1. Last evaluated: 2018-01-12. Review status: criteria provided, single submitter. Criteria: ICSL Variant Classification Criteria 13 December 2019. Collection method: clinical testing. Allele origin: germline.
Comment: This variant was observed in the ICSL laboratory as part of a predisposition screen in an ostensibly healthy population. It had not been previously curated by ICSL or reported in the Human Gene Mutation Database (HGMD: prior to June 1st, 2018), and was therefore a candidate for classification through an automated scoring system. Utilizing variant allele frequency, disease prevalence and penetrance estimates, and inheritance mode, an automated score was calculated to assess if this variant is too frequent to cause the disease. Based on the score and internal cut-off values, a variant classified as benign is not then subjected to further curation. The score for this variant resulted in a classification of benign for this disease.

Breakthrough Genomics
Classification: Benign. Review status: criteria provided, single submitter. Criteria: ACMG Guidelines, 2015. Collection method: not provided. Allele origin: germline. Inheritance: Autosomal recessive inheritance. Affected: yes.

NM_000379.4(XDH):c.*41G>C

Gene: XDH (xanthine dehydrogenase; minus strand). Cytogenetic location: 2p23.1.
Variant type: single nucleotide variant.
Coding change: c.*41G>C on transcript NM_000379.4 (MANE Select); 41 bases downstream of the stop codon, G replaced by C.
Molecular consequence: 3 prime UTR variant.
Genome position (GRCh38, 1-based): chr2:31,335,917, C>G on the plus strand (G>C on the coding strand, the complement: XDH is on the minus strand). VCF-style: chr2-31335917-C-G. GRCh37 (hg19) VCF-style: chr2-31558783-C-G.
Identifiers: ClinVar variation 335754 (VCV000335754.9), dbSNP rs45593434, ClinGen allele CA1598155.